The following is an entry in ClinVar:

NM_182961.4(SYNE1):c.14578T>A (p.Ser4860Thr)

Gene: SYNE1 (spectrin repeat containing nuclear envelope protein 1; minus strand). Cytogenetic location: 6q25.2.
Variant type: single nucleotide variant.
Coding change: c.14578T>A on transcript NM_182961.4 (MANE Select); coding-DNA position 14578, T replaced by A.
Protein change: p.Ser4860Thr; replaces serine 4860 with threonine.
Molecular consequence: missense variant.
Genome position (GRCh38, 1-based): chr6:152,330,107, A>T on the plus strand (T>A on the coding strand, the complement: SYNE1 is on the minus strand). VCF-style: chr6-152330107-A-T. GRCh37 (hg19) VCF-style: chr6-152651242-A-T.
Other names: c.14365T>A, p.Ser4789Thr (NM_033071.5); short protein forms S4789T, S4860T.
Identifiers: ClinVar variation 2125484 (VCV002125484.4), dbSNP rs2096210892, ClinGen allele CA366097152.

ClinVar aggregate classification (germline): Uncertain significance (1 of 4 stars; one submission).

Conditions:
Emery-Dreifuss muscular dystrophy 4, autosomal dominant (EDMD4). Also called: EMERY-DREIFUSS MUSCULAR DYSTROPHY 4 WITH VARIABLE FEATURES. Identifiers: Orphanet 261, MedGen C2751807, MONDO:0013071, OMIM 612998.
Autosomal recessive ataxia, Beauce type. Also called: SYNE1 Deficiency; Spinocerebellar ataxia, autosomal recessive 8; ATAXIA, RECESSIVE, OF BEAUCE; SYNE1-Related Autosomal Recessive Cerebellar Ataxia. Identifiers: Orphanet 88644, MedGen C1853116, MONDO:0012549, OMIM 610743.

Allele frequency attached by ClinVar (database versions not stated): gnomAD exomes below 0.00001.
gnomAD v4.1: 1 of 1,614,168 alleles (0.000062%); highest among the groups gnomAD compares: Non-Finnish European, 0.000085%; no homozygotes.

Submission:

Labcorp Genetics (formerly Invitae), Labcorp
Classification: Uncertain significance for Emery-Dreifuss muscular dystrophy 4, autosomal dominant; Autosomal recessive ataxia, Beauce type. Last evaluated: 2022-05-25. Review status: criteria provided, single submitter. Criteria: Invitae Variant Classification Sherloc (09022015). Collection method: clinical testing. Allele origin: germline.
Comment: In summary, the available evidence is currently insufficient to determine the role of this variant in disease. Therefore, it has been classified as a Variant of Uncertain Significance. Algorithms developed to predict the effect of missense changes on protein structure and function output the following: SIFT: "Tolerated"; PolyPhen-2: "Benign"; Align-GVGD: "Class C0". The threonine amino acid residue is found in multiple mammalian species, which suggests that this missense change does not adversely affect protein function. This variant has not been reported in the literature in individuals affected with SYNE1-related conditions. This variant is not present in population databases (gnomAD no frequency). This sequence change replaces serine, which is neutral and polar, with threonine, which is neutral and polar, at codon 4789 of the SYNE1 protein (p.Ser4789Thr).